The following is an entry in ClinVar:

NM_004360.5(CDH1):c.2272G>A (p.Glu758Lys)

Gene: CDH1 (cadherin 1; plus strand). Cytogenetic location: 16q22.1.
Variant type: single nucleotide variant.
Coding change: c.2272G>A on transcript NM_004360.5 (MANE Select); coding-DNA position 2272, G replaced by A.
Protein change: p.Glu758Lys; replaces glutamic acid 758 with lysine.
Molecular consequence: missense variant.
Genome position (GRCh38, 1-based): chr16:68,828,281, G>A. VCF-style: chr16-68828281-G-A. GRCh37 (hg19) VCF-style: chr16-68862184-G-A.
Other names: c.2272G>A (LRG_301t1); c.2089G>A, p.Glu697Lys (NM_001317184.2); c.724G>A, p.Glu242Lys (NM_001317185.2); c.307G>A, p.Glu103Lys (NM_001317186.2); short protein forms E758K, E103K, E697K, E242K.
Identifiers: ClinVar variation 186218 (VCV000186218.5), dbSNP rs786202785, ClinGen allele CA194182.

ClinVar aggregate classification (germline): Likely pathogenic (1 of 4 stars; one submission).

Conditions:
Hereditary cancer-predisposing syndrome. Also called: Neoplastic Syndromes, Hereditary; Tumor predisposition; Hereditary Cancer Syndrome; Hereditary neoplastic syndrome. Identifiers: Orphanet 140162, MedGen C0027672, MeSH D009386, MONDO:0015356.

Submission:

Ambry Genetics
Classification: Likely pathogenic for Hereditary cancer-predisposing syndrome. Last evaluated: 2014-10-08. Review status: criteria provided, single submitter. Criteria: Ambry Variant Classification Scheme 2023. Collection method: clinical testing. Allele origin: germline.
Comment: The p.E758K variant (also known as c.2272G>A), located in coding exon 14 of the CDH1 gene, results from a G to A substitution at nucleotide position 2272. The glutamic acid at codon 758 is replaced by lysine, an amino acid with dissimilar properties. This variant is located in the CDH1 juxtamembrane domain responsible for clustering of cadherins in the cell membrane and for cellular adhesive strength via p120-catenin and was detected by our laboratory in a family with clinical history consistent with Hereditary Diffuse Gastric Cancer. Structurally, the position E758 is important for its negative charge and its location in the p120 interaction motif. Mutating this position from a negative charge to a positive charge would act to repel this interaction (Ishiyama N, et al. Cell 2010 Apr; 141(1):117-28). This can be seen with the studies on the adjacent position E757K (Figueiredo J, et al. Eur. J. Hum. Genet. 2013 Mar; 21(3):301-9). This variant was not reported in population based cohorts in the following databases: Database of Single Nucleotide Polymorphisms (dbSNP), NHLBI Exome Sequencing Project (ESP), and 1000 Genomes Project. In the ESP, this variant was not observed in 6498 samples (12996 alleles) with coverage at this position. To date, this alteration has been detected with an allele frequency of approximately 0.002% (greater than 45000 alleles tested) in our clinical cohort (includes this individual). This amino acid position is highly conserved in available vertebrate species. In addition, this alteration is predicted to be probably damaging and deleterious by, PolyPhen and SIFT in silico analyses, respectively. Based on the majority of available evidence to date, this variant is likely to be pathogenic.

Literature cited by the submitters: PubMed 20371349; PubMed 22850631.